The following is an entry in ClinVar:

ClinVar aggregate classification (germline): Uncertain significance. Review status: criteria provided, multiple submitters, no conflicts (2 of 4 stars). 2 submissions from 2 submitters: Uncertain significance (2). Last evaluated 2024-07-08.

Conditions:
Inborn genetic diseases. Identifiers: MedGen C0950123, MeSH D030342.

Allele frequency attached by ClinVar (database versions not stated): gnomAD 0.00001; gnomAD exomes 0.00001; TOPMed 0.00001; ExAC 0.00005; ESP Exome Variant Server 0.00008.
gnomAD v4.1: 18 of 1,585,506 alleles (0.0011%); highest among the groups gnomAD compares: South Asian, 0.0068%; no homozygotes.

Submissions (2):

Women's Health and Genetics/Laboratory Corporation of America, LabCorp
Classification: Uncertain significance. Last evaluated: 2024-07-08. Review status: criteria provided, single submitter. Criteria: LabCorp Variant Classification Summary - May 2015. Collection method: clinical testing. Allele origin: germline.
Comment: Variant summary: KMT2B c.3866C>T (p.Thr1289Met) results in a non-conservative amino acid change located in the second PHD-type Zinc finger domain (IPR001965) of the encoded protein sequence. Four of five in-silico tools predict a benign effect of the variant on protein function. The variant allele was found at a frequency of 3e-05 in 197830 control chromosomes. The available data on variant occurrences in the general population are insufficient to allow any conclusion about variant significance. To our knowledge, no occurrence of c.3866C>T in individuals affected with Dystonia 28, Childhood-Onset and no experimental evidence demonstrating its impact on protein function have been reported. ClinVar contains an entry for this variant (Variation ID: 2394833). Based on the evidence outlined above, the variant was classified as uncertain significance.

Ambry Genetics
Classification: Uncertain significance for Inborn genetic diseases. Last evaluated: 2022-04-07. Review status: criteria provided, single submitter. Criteria: Ambry Variant Classification Scheme 2023. Collection method: clinical testing. Allele origin: germline.

NM_014727.3(KMT2B):c.3866C>T (p.Thr1289Met)

Gene: KMT2B (lysine methyltransferase 2B; plus strand). Cytogenetic location: 19q13.12.
Variant type: single nucleotide variant.
Coding change: c.3866C>T on transcript NM_014727.3 (MANE Select); coding-DNA position 3866, C replaced by T.
Protein change: p.Thr1289Met; replaces threonine 1289 with methionine.
Molecular consequence: missense variant.
Genome position (GRCh38, 1-based): chr19:35,725,799, C>T. VCF-style: chr19-35725799-C-T. GRCh37 (hg19) VCF-style: chr19-36216700-C-T.
Other names: short protein forms T1289M.
Identifiers: ClinVar variation 2394833 (VCV002394833.3), dbSNP rs376193493, ClinGen allele CA9384891.
Genomic context (GRCh38, chr19:35,725,799, plus strand): 5'-AGCGCTGCCGCCATGCATACCACCCGGCCTGTCTGGGGCCCAGCTATCCAACCCGGGCCA[C>T]GCGCAAACGGCGCCACTGGGTGAGAGATGAGGTTCACCCACTTGCTTTGTCTCTAATGAA-3'
Protein context (NP_055542.1, residues 1279-1299): CLGPSYPTRA[Thr1289Met]RKRRHWICSA